The following is an entry in ClinVar:

NM_002700.3(POU4F3):c.696G>C (p.Glu232Asp)

Genes: POU4F3 (POU class 4 homeobox 3; plus strand), RBM27-POU4F3 (RBM27-POU4F3 readthrough; plus strand). Cytogenetic location: 5q32.
Variant type: single nucleotide variant.
Coding change: c.696G>C on transcript NM_002700.3 (MANE Select); coding-DNA position 696, G replaced by C.
Protein change: p.Glu232Asp; replaces glutamic acid 232 with aspartic acid.
Molecular consequence: missense variant. On other transcripts: 3 prime UTR variant (1).
Genome position (GRCh38, 1-based): chr5:146,340,123, G>C. VCF-style: chr5-146340123-G-C. GRCh37 (hg19) VCF-style: chr5-145719686-G-C.
Other names: c.*565G>C (NM_001414499.1); short protein forms E232D.
Identifiers: ClinVar variation 3382766 (VCV003382766.2).

ClinVar aggregate classification (germline): Uncertain significance (1 of 4 stars; one submission).

Conditions:
Autosomal dominant nonsyndromic hearing loss 15 (DFNA15). Also called: DEAFNESS, AUTOSOMAL DOMINANT 52; Autosomal dominant nonsyndromic hearing loss 52. Identifiers: Orphanet 90635, MedGen C1865366, MONDO:0011226, OMIM 602459.

Submission:

Juno Genomics, Hangzhou Juno Genomics, Inc
Classification: Uncertain significance for Autosomal dominant nonsyndromic hearing loss 15. Review status: criteria provided, single submitter. Criteria: ACMG Guidelines, 2015. Collection method: clinical testing. Allele origin: germline. Affected: yes.
Comment: Absent from controls (or at extremely low frequency if recessive) in Genome Aggregation Database, Exome Sequencing Project, 1000 Genomes Project, or Exome Aggregation Consortium.;Multiple lines of computational evidence support a deleterious effect on the gene or gene product (conservation, evolutionary, splicing impact, etc).